The following is an entry in ClinVar:

ClinVar aggregate classification (germline): Conflicting classifications of pathogenicity. Review status: criteria provided, conflicting classifications (1 of 4 stars). 3 submissions from 3 submitters: Uncertain significance (2); Likely benign (1). Last evaluated 2023-05-31.

Conditions:
Inborn genetic diseases. Identifiers: MedGen C0950123, MeSH D030342.
Usher syndrome type 2C. Also called: Usher syndrome, type 2B; USHER SYNDROME, TYPE IIC. Identifiers: Orphanet 231178, Orphanet 886, MedGen C2931213, MONDO:0011558, OMIM 605472.

Allele frequency attached by ClinVar (database versions not stated): gnomAD 0.00001; ExAC 0.00002; gnomAD exomes 0.00002 and 0.00003; TOPMed 0.00002; ESP Exome Variant Server 0.00008.
gnomAD v4.1: 37 of 1,601,944 alleles (0.0023%); highest among the groups gnomAD compares: Non-Finnish European, 0.0031%; no homozygotes.

Submissions (3):

Ambry Genetics
Classification: Likely benign for Inborn genetic diseases. Last evaluated: 2023-05-31. Review status: criteria provided, single submitter. Criteria: Ambry Variant Classification Scheme 2023. Collection method: clinical testing. Allele origin: germline.

Labcorp Genetics (formerly Invitae), Labcorp
Classification: Uncertain significance. Last evaluated: 2021-08-20. Review status: criteria provided, single submitter. Criteria: Invitae Variant Classification Sherloc (09022015). Collection method: clinical testing. Allele origin: germline.
Comment: This sequence change replaces isoleucine with valine at codon 2105 of the ADGRV1 protein (p.Ile2105Val). The isoleucine residue is weakly conserved and there is a small physicochemical difference between isoleucine and valine. This variant is present in population databases (rs371849392, ExAC 0.005%). This variant has not been reported in the literature in individuals affected with ADGRV1-related conditions. Algorithms developed to predict the effect of missense changes on protein structure and function output the following: SIFT: "Tolerated"; PolyPhen-2: "Benign"; Align-GVGD: "Class C0". The valine amino acid residue is found in multiple mammalian species, which suggests that this missense change does not adversely affect protein function. In summary, the available evidence is currently insufficient to determine the role of this variant in disease. Therefore, it has been classified as a Variant of Uncertain Significance.

Illumina Laboratory Services, Illumina
Classification: Uncertain significance for Usher syndrome type 2C. Last evaluated: 2018-01-13. Review status: criteria provided, single submitter. Criteria: ICSL Variant Classification Criteria 13 December 2019. Collection method: clinical testing. Allele origin: germline.

NM_032119.4(ADGRV1):c.6313A>G (p.Ile2105Val)

Gene: ADGRV1 (adhesion G protein-coupled receptor V1; plus strand). Cytogenetic location: 5q14.3.
Variant type: single nucleotide variant.
Coding change: c.6313A>G on transcript NM_032119.4 (MANE Select); coding-DNA position 6313, A replaced by G.
Protein change: p.Ile2105Val; replaces isoleucine 2105 with valine.
Molecular consequence: missense variant. On other transcripts: non-coding transcript variant (1).
Genome position (GRCh38, 1-based): chr5:90,685,818, A>G. VCF-style: chr5-90685818-A-G. GRCh37 (hg19) VCF-style: chr5-89981635-A-G.
Other names: short protein forms I2105V.
Identifiers: ClinVar variation 906275 (VCV000906275.11), dbSNP rs371849392, ClinGen allele CA3339754.